The following is an entry in ClinVar:

NM_000642.3(AGL):c.1783C>T (p.Arg595Ter)

Gene: AGL (amylo-alpha-1,6-glucosidase and 4-alpha-glucanotransferase; plus strand). Cytogenetic location: 1p21.2.
Variant type: single nucleotide variant.
Coding change: c.1783C>T on transcript NM_000642.3 (MANE Select); coding-DNA position 1783, C replaced by T.
Protein change: p.Arg595Ter; replaces arginine 595 with a stop codon.
Molecular consequence: nonsense.
Genome position (GRCh38, 1-based): chr1:99,880,679, C>T. VCF-style: chr1-99880679-C-T. GRCh37 (hg19) VCF-style: chr1-100346235-C-T.
Other names: c.1783C>T, p.Arg595Ter (NM_000028.3, NM_000643.3, NM_000644.3 and 2 more transcripts); c.1735C>T, p.Arg579Ter (NM_000646.3); c.1582C>T, p.Arg528Ter (NM_001425327.1); c.1579C>T, p.Arg527Ter (NM_001425328.1, NM_001425329.1); c.1405C>T, p.Arg469Ter (NM_001425332.1); short protein forms R579*, R595*, R469*, R527*, R528*.
Identifiers: ClinVar variation 650313 (VCV000650313.19), dbSNP rs765367405, ClinGen allele CA966592.
Genomic context (GRCh38, chr1:99,880,679, plus strand): 5'-TAATGCTCTGCAGAGGCAATGAGTGCATATAATAGTCATGAAGAGGGCAGATTAGTTTAC[C>T]GATATGGAGGAGAACCTGTTGGATCCTTTGTTCAGCCCTGTTTGAGGCCTTTAATGCCAG-3'

ClinVar aggregate classification (germline): Pathogenic. Review status: criteria provided, multiple submitters, no conflicts (2 of 4 stars). 6 submissions from 6 submitters: Pathogenic (6). Last evaluated 2024-05-13.

Conditions:
Glycogen storage disease type III (GSD3). Also called: Cori disease; FORBES DISEASE. Identifiers: Orphanet 366, MedGen C0017922, MONDO:0009291, OMIM 232400.

Allele frequency attached by ClinVar (database versions not stated): TOPMed below 0.00001; ExAC 0.00001; gnomAD 0.00001; gnomAD exomes 0.00001.
gnomAD v4.1: 15 of 1,613,788 alleles (0.00093%); highest among the groups gnomAD compares: Non-Finnish European, 0.0013%; no homozygotes.

Submissions (6):

Natera, Inc.
Classification: Pathogenic for Glycogen storage disease type III. Last evaluated: 2024-05-13. Review status: criteria provided, single submitter. Criteria: Natera Variant Classification Schema (03/2026). Collection method: clinical testing. Allele origin: germline.
Comment: The c.1783C>T variant in AGL is a nonsense variant predicted to introduce a stop codon at amino acid 595. This variant is expected to result in nonsense mediated decay, truncation, or a dysfunctional protein product. This variant is rare in the general population with a frequency below the threshold expected for the associated phenotype(s). This variant has been observed in one or more individuals affected with the associated recessive disease, as either homozygous or compound heterozygous with a second variant (PMID: 19834502, 28888851). Given the available evidence, this variant is classified as Pathogenic.

Baylor Genetics
Classification: Pathogenic for Glycogen storage disease type III. Last evaluated: 2023-02-08. Review status: criteria provided, single submitter. Criteria: ACMG Guidelines, 2015. Collection method: clinical testing. Allele origin: unknown.

Labcorp Genetics (formerly Invitae), Labcorp
Classification: Pathogenic for Glycogen storage disease type III. Last evaluated: 2022-09-03. Review status: criteria provided, single submitter. Criteria: Invitae Variant Classification Sherloc (09022015). Collection method: clinical testing. Allele origin: germline.
Comment: This variant is present in population databases (rs765367405, gnomAD 0.002%). This premature translational stop signal has been observed in individuals with glycogen storage disease (PMID: 19834502, 25388549). ClinVar contains an entry for this variant (Variation ID: 650313). For these reasons, this variant has been classified as Pathogenic. This sequence change creates a premature translational stop signal (p.Arg595*) in the AGL gene. It is expected to result in an absent or disrupted protein product. Loss-of-function variants in AGL are known to be pathogenic (PMID: 19299494).

Fulgent Genetics
Classification: Pathogenic for Glycogen storage disease type III. Last evaluated: 2021-10-15. Review status: criteria provided, single submitter. Criteria: ACMG Guidelines, 2015. Collection method: clinical testing. Allele origin: unknown.

Genome-Nilou Lab
Classification: Pathogenic for Glycogen storage disease type III. Last evaluated: 2021-07-15. Review status: criteria provided, single submitter. Criteria: ACMG Guidelines, 2015. Collection method: clinical testing. Allele origin: germline. Affected: no.

Women's Health and Genetics/Laboratory Corporation of America, LabCorp
Classification: Pathogenic for Glycogen storage disease type III. Last evaluated: 2020-07-20. Review status: criteria provided, single submitter. Criteria: LabCorp Variant Classification Summary - May 2015. Collection method: clinical testing. Allele origin: germline.
Comment: Variant summary: AGL c.1783C>T (p.Arg595X) results in a premature termination codon, predicted to cause a truncation of the encoded protein or absence of the protein due to nonsense mediated decay, which are commonly known mechanisms for disease. Truncations downstream of this position have been classified as pathogenic by our laboratory. The variant allele was found at a frequency of 8e-06 in 251218 control chromosomes (gnomAD). c.1783C>T has been reported in the literature in compound heterozygous or homozygous state in individuals affected with Glycogen Storage Disease Type III (Aoyama_2009, Goldstein_2010, Decostre_2017). These data indicate that the variant is likely to be associated with disease. To our knowledge, no experimental evidence demonstrating an impact on protein function has been reported. One ClinVar submitter (evaluation after 2014) cites the variant as pathogenic. Based on the evidence outlined above, the variant was classified as pathogenic.

Literature cited by the submitters: PubMed 19834502 (cited by 3 submitters); PubMed 28888851 (cited by Natera, Inc. and Women's Health and Genetics/Laboratory Corporation of America, LabCorp); PubMed 25388549 (cited by Labcorp Genetics (formerly Invitae), Labcorp); PubMed 19299494 (cited by Labcorp Genetics (formerly Invitae), Labcorp); PubMed 20648714 (cited by Women's Health and Genetics/Laboratory Corporation of America, LabCorp).